The following is an entry in ClinVar:

NM_001369369.1(FOXN1):c.1262C>T (p.Pro421Leu)

Gene: FOXN1 (forkhead box N1; plus strand). Cytogenetic location: 17q11.2.
Variant type: single nucleotide variant.
Coding change: c.1262C>T on transcript NM_001369369.1 (MANE Select); coding-DNA position 1262, C replaced by T.
Protein change: p.Pro421Leu; replaces proline 421 with leucine.
Molecular consequence: missense variant.
Genome position (GRCh38, 1-based): chr17:28,534,833, C>T. VCF-style: chr17-28534833-C-T. GRCh37 (hg19) VCF-style: chr17-26861851-C-T.
Other names: c.1262C>T, p.Pro421Leu (NM_003593.3); c.1262C>T (NM_003593.2); short protein forms P421L.
Identifiers: ClinVar variation 1511815 (VCV001511815.9), dbSNP rs747637565, ClinGen allele CA8459486.

ClinVar aggregate classification (germline): Uncertain significance. Review status: criteria provided, multiple submitters, no conflicts (2 of 4 stars). 2 submissions from 2 submitters: Uncertain significance (2). Last evaluated 2024-12-30.

Conditions:
Inborn genetic diseases. Identifiers: MedGen C0950123, MeSH D030342.
T-cell immunodeficiency, congenital alopecia, and nail dystrophy. Also called: Congenital alopecia and nail dystrophy associated with severe functional T-cell immunodeficiency; Pignata Guarino syndrome. Identifiers: Orphanet 169095, MedGen C1866426, MONDO:0011132, OMIM 601705.

Allele frequency attached by ClinVar (database versions not stated): ExAC 0.00001; gnomAD 0.00001; gnomAD exomes 0.00001; TOPMed 0.00001.
gnomAD v4.1: 45 of 1,613,850 alleles (0.0028%); highest among the groups gnomAD compares: Non-Finnish European, 0.0036%; no homozygotes.

Submissions (2):

Labcorp Genetics (formerly Invitae), Labcorp
Classification: Uncertain significance for T-cell immunodeficiency, congenital alopecia, and nail dystrophy. Last evaluated: 2024-12-30. Review status: criteria provided, single submitter. Criteria: Invitae Variant Classification Sherloc (09022015). Collection method: clinical testing. Allele origin: germline.
Comment: This sequence change replaces proline, which is neutral and non-polar, with leucine, which is neutral and non-polar, at codon 421 of the FOXN1 protein (p.Pro421Leu). This variant is present in population databases (rs747637565, gnomAD 0.002%). This variant has not been reported in the literature in individuals affected with FOXN1-related conditions. ClinVar contains an entry for this variant (Variation ID: 1511815). Invitae Evidence Modeling of protein sequence and biophysical properties (such as structural, functional, and spatial information, amino acid conservation, physicochemical variation, residue mobility, and thermodynamic stability) indicates that this missense variant is not expected to disrupt FOXN1 protein function with a negative predictive value of 80%. In summary, the available evidence is currently insufficient to determine the role of this variant in disease. Therefore, it has been classified as a Variant of Uncertain Significance.

Ambry Genetics
Classification: Uncertain significance for Inborn genetic diseases. Last evaluated: 2024-10-06. Review status: criteria provided, single submitter. Criteria: Ambry Variant Classification Scheme 2023. Collection method: clinical testing. Allele origin: germline.